The following is an entry in ClinVar:

GRCh37/hg19 16p13.3(chr16:2021144-2266791)x1

Genes: BRICD5 (BRICHOS domain containing 5; minus strand), CASKIN1 (CASK interacting protein 1; minus strand), GFER (growth factor, augmenter of liver regeneration; plus strand), MIR1225 (microRNA 1225; minus strand), MLST8 (MTOR associated protein, LST8 homolog; plus strand) and 12 more. Cytogenetic location: 16p13.3.
Variant type: copy number loss.
Change: copy number 1 (one copy instead of two) of chr16:2,021,144-2,266,791 (245.6 kb, GRCh37 coordinates, 1-based), cytogenetic band 16p13.3.
Identifiers: ClinVar variation 1807728 (VCV001807728.1).

ClinVar aggregate classification (germline): Pathogenic (1 of 4 stars; one submission).

Submission:

Quest Diagnostics Nichols Institute San Juan Capistrano
Classification: Pathogenic. Last evaluated: 2021-07-30. Review status: criteria provided, single submitter. Criteria: ACMG/ClinGen CNV Guidelines, 2019. Collection method: clinical testing. Allele origin: unknown.
Comment: This imbalance is expected to cause phenotypic and/or developmental abnormalities. This deletion includes multiple genes, notably TSC2 and PKD1. Whole gene and intragenic deletions involving the TSC2 gene cause tuberous sclerosis complex (TSC; OMIM 613254), an autosomal dominant multisystem disorder characterized by hamartomas in multiple organ systems, including the brain, skin, heart, kidneys, and lung. These changes can result in epilepsy, learning difficulties, behavioral problems, and renal failure, among other complications (PMID 17005952). Autosomal dominant polycystic kidney disease-1 with or without polycystic liver disease (PKD1; OMIM 173900) is caused by heterozygous loss of the PKD1 gene. The cardinal manifestations of the disorder are renal cysts, liver cysts, and intracranial aneurysm, although acute and chronic pain and nephrolithiasis are common complications. Approximately half of patients have end-stage renal disease by the age of 60 years with typical age of onset in middle life, yet the age range can be widely variable (PMID 10655152). Larger heterozygous deletions, involving both TSC2 and PKD1, result n the TSC2/PKD1 contiguous gene syndrome (PKDTS; PMIDs 22169896, 18818683, 14695542, 17185137). PKDTS has been identified in patients with tuberous sclerosis complex and early-onset severe autosomal dominant polycystic kidney disease.